The following is an entry in ClinVar:

ClinVar aggregate classification (germline): Uncertain significance (1 of 4 stars; one submission).

Submission:

Labcorp Genetics (formerly Invitae), Labcorp
Classification: Uncertain significance. Last evaluated: 2021-11-21. Review status: criteria provided, single submitter. Criteria: Invitae Variant Classification Sherloc (09022015). Collection method: clinical testing. Allele origin: germline.
Comment: This sequence change replaces serine, which is neutral and polar, with phenylalanine, which is neutral and non-polar, at codon 726 of the KIAA1549 protein (p.Ser726Phe). In summary, the available evidence is currently insufficient to determine the role of this variant in disease. Therefore, it has been classified as a Variant of Uncertain Significance. Algorithms developed to predict the effect of missense changes on protein structure and function are either unavailable or do not agree on the potential impact of this missense change (SIFT: "Deleterious"; PolyPhen-2: "Benign"; Align-GVGD: "Class C0"). This variant has not been reported in the literature in individuals affected with KIAA1549-related conditions. This variant is not present in population databases (gnomAD no frequency).

NM_001164665.2(KIAA1549):c.2177C>T (p.Ser726Phe)

Gene: KIAA1549 (KIAA1549; minus strand). Cytogenetic location: 7q34.
Variant type: single nucleotide variant.
Coding change: c.2177C>T on transcript NM_001164665.2 (MANE Select); coding-DNA position 2177, C replaced by T.
Protein change: p.Ser726Phe; replaces serine 726 with phenylalanine.
Molecular consequence: missense variant.
Genome position (GRCh38, 1-based): chr7:138,917,449, G>A on the plus strand (C>T on the coding strand, the complement: KIAA1549 is on the minus strand). VCF-style: chr7-138917449-G-A. GRCh37 (hg19) VCF-style: chr7-138602195-G-A.
Other names: c.2177C>T, p.Ser726Phe (NM_020910.3); short protein forms S726F.
Identifiers: ClinVar variation 1408047 (VCV001408047.6), dbSNP rs2130478533, ClinGen allele CA369394023.